The following is an entry in ClinVar:

ClinVar aggregate classification (germline): Uncertain significance (1 of 4 stars; one submission).

Submission:

CeGaT Center for Human Genetics Tuebingen
Classification: Uncertain significance. Last evaluated: 2024-11-01. Review status: criteria provided, single submitter. Criteria: CeGaT Center For Human Genetics Tuebingen Variant Classification Criteria Version 2. Collection method: clinical testing. Allele origin: germline. Affected: yes. Observed: 1 variant allele.
Comment: CSDE1: PM2

NM_001007553.3(CSDE1):c.139G>A (p.Ala47Thr)

Gene: CSDE1 (cold shock domain containing E1; minus strand). Cytogenetic location: 1p13.2.
Variant type: single nucleotide variant.
Coding change: c.139G>A on transcript NM_001007553.3 (MANE Select); coding-DNA position 139, G replaced by A.
Protein change: p.Ala47Thr; replaces alanine 47 with threonine.
Molecular consequence: missense variant.
Genome position (GRCh38, 1-based): chr1:114,739,752, C>T on the plus strand (G>A on the coding strand, the complement: CSDE1 is on the minus strand). VCF-style: chr1-114739752-C-T. GRCh37 (hg19) VCF-style: chr1-115282373-C-T.
Other names: c.277G>A, p.Ala93Thr (NM_001130523.3, NM_001242891.2); c.139G>A, p.Ala47Thr (NM_001242892.2, NM_001242893.2, NM_007158.6); short protein forms A47T, A93T.
Identifiers: ClinVar variation 3390200 (VCV003390200.14).
Genomic context (GRCh38, chr1:114,739,752, plus strand): 5'-CTCCTACTTTTAAGTCTTGCAGGTTGCCATTATACTGTGAACAGTGGAAGAAAAGTCTAG[C>T]TTGACGTTCTGAACACTGAATAAATCCGTAAGAGGTTAACAGTTTTTCAATAACCCCAGT-3'
Protein context (NP_001007554.1, residues 37-57): YGFIQCSERQ[Ala47Thr]RLFFHCSQYN